The following is an entry in ClinVar:

NM_001458.5(FLNC):c.301T>C (p.Ser101Pro)

Gene: FLNC (filamin C; plus strand). Cytogenetic location: 7q32.1.
Variant type: single nucleotide variant.
Coding change: c.301T>C on transcript NM_001458.5 (MANE Select); coding-DNA position 301, T replaced by C.
Protein change: p.Ser101Pro; replaces serine 101 with proline.
Molecular consequence: missense variant.
Genome position (GRCh38, 1-based): chr7:128,830,938, T>C. VCF-style: chr7-128830938-T-C. GRCh37 (hg19) VCF-style: chr7-128470992-T-C.
Other names: c.301T>C, p.Ser101Pro (NM_001127487.2); short protein forms S101P.
Identifiers: ClinVar variation 1798909 (VCV001798909.7), dbSNP rs2536605675, ClinGen allele CA369216940.
Genomic context (GRCh38, chr7:128,830,938, plus strand): 5'-CGCATGTACCGCAAGTTCCATCCGCGCCCCAACTTCCGCCAAATGAAGCTGGAGAACGTG[T>C]CCGTGGCCCTCGAGTTCCTCGAGCGCGAGCACATCAAGCTCGTGTCCATAGGTCAGTGCC-3'
Protein context (NP_001449.3, residues 91-111): NFRQMKLENV[Ser101Pro]VALEFLEREH

ClinVar aggregate classification (germline): Uncertain significance. Review status: criteria provided, multiple submitters, no conflicts (2 of 4 stars). 2 submissions from 2 submitters: Uncertain significance (2). Last evaluated 2022-06-15.

Conditions:
Hypertrophic cardiomyopathy 26. Also called: Cardiomyopathy, familial hypertrophic, 26. Identifiers: Orphanet 75249, MedGen C4310749, MONDO:0014883, OMIM 617047.
Myofibrillar myopathy 5. Also called: Filaminopathy (type); FILAMINOPATHY, AUTOSOMAL DOMINANT. Identifiers: Orphanet 171445, MedGen C1836050, MONDO:0012289, OMIM 609524.
Distal myopathy with posterior leg and anterior hand involvement. Also called: WILLIAMS DISTAL MYOPATHY. Identifiers: Orphanet 63273, MedGen C3279722, MONDO:0013550, OMIM 614065.
Cardiovascular phenotype. Identifiers: MedGen CN230736.

Submissions (2):

Labcorp Genetics (formerly Invitae), Labcorp
Classification: Uncertain significance for Distal myopathy with posterior leg and anterior hand involvement; Myofibrillar myopathy 5; Hypertrophic cardiomyopathy 26. Last evaluated: 2022-06-15. Review status: criteria provided, single submitter. Criteria: Invitae Variant Classification Sherloc (09022015). Collection method: clinical testing. Allele origin: germline.
Comment: In summary, the available evidence is currently insufficient to determine the role of this variant in disease. Therefore, it has been classified as a Variant of Uncertain Significance. Algorithms developed to predict the effect of missense changes on protein structure and function are either unavailable or do not agree on the potential impact of this missense change (SIFT: "Deleterious"; PolyPhen-2: "Possibly Damaging"; Align-GVGD: "Class C0"). This variant has not been reported in the literature in individuals affected with FLNC-related conditions. This variant is not present in population databases (gnomAD no frequency). This sequence change replaces serine, which is neutral and polar, with proline, which is neutral and non-polar, at codon 101 of the FLNC protein (p.Ser101Pro).

Ambry Genetics
Classification: Uncertain significance for Cardiovascular phenotype. Last evaluated: 2021-12-23. Review status: criteria provided, single submitter. Criteria: Ambry Variant Classification Scheme 2023. Collection method: clinical testing. Allele origin: germline.
Comment: The p.S101P variant (also known as c.301T>C), located in coding exon 1 of the FLNC gene, results from a T to C substitution at nucleotide position 301. The serine at codon 101 is replaced by proline, an amino acid with similar properties. This amino acid position is conserved. In addition, this alteration is predicted to be deleterious by in silico analysis. Since supporting evidence is limited at this time, the clinical significance of this alteration remains unclear.